The following is an entry in ClinVar:

NM_004519.4(KCNQ3):c.63_71del (p.Gly22_Gly24del)

Gene: KCNQ3 (potassium voltage-gated channel subfamily Q member 3; minus strand). Cytogenetic location: 8q24.22.
Variant type: Deletion.
Coding change: c.63_71del on transcript NM_004519.4 (MANE Select); coding-DNA positions 63 to 71, 9 bases deleted (AGGCGGCGG; older notation c.63_71delAGGCGGCGG).
Protein change: p.Gly22_Gly24del.
Molecular consequence: inframe deletion.
Genome position (GRCh38, 1-based): chr8:132,480,462-132,480,470, CCGCCGCCT deleted on the plus strand (AGGCGGCGG on the coding strand, the reverse complement: KCNQ3 is on the minus strand); deleting any 9 consecutive bases within chr8:132,480,462-132,480,478 gives the same sequence; the c. name uses the placement nearest the transcript's 3' end. VCF-style (leftmost placement, unchanged base first): chr8-132480461-CCCGCCGCCT-C. GRCh37 (hg19) VCF-style: chr8-133492708-CCCGCCGCCT-C.
Identifiers: ClinVar variation 1043756 (VCV001043756.8), dbSNP rs748459358, ClinGen allele CA4881031.

ClinVar aggregate classification (germline): Uncertain significance (1 of 4 stars; one submission).

Conditions:
Benign neonatal seizures. Also called: Convulsions benign familial neonatal dominant form; Autosomal dominant form of benign neonatal seizures; Benign familial neonatal epilepsy; Benign familial neonatal seizures; Benign neonatal familial convulsions. Identifiers: Orphanet 1949, MedGen C0220669, MONDO:0016027.

Submission:

Labcorp Genetics (formerly Invitae), Labcorp
Classification: Uncertain significance for Benign neonatal seizures. Last evaluated: 2022-06-18. Review status: criteria provided, single submitter. Criteria: Invitae Variant Classification Sherloc (09022015). Collection method: clinical testing. Allele origin: germline.
Comment: In summary, the available evidence is currently insufficient to determine the role of this variant in disease. Therefore, it has been classified as a Variant of Uncertain Significance. Experimental studies and prediction algorithms are not available or were not evaluated, and the functional significance of this variant is currently unknown. ClinVar contains an entry for this variant (Variation ID: 1043756). This variant has not been reported in the literature in individuals affected with KCNQ3-related conditions. The frequency data for this variant in the population databases is considered unreliable, as metrics indicate poor data quality at this position in the gnomAD database. This variant, c.63_71del, results in the deletion of 3 amino acid(s) of the KCNQ3 protein (p.Gly22_Gly24del), but otherwise preserves the integrity of the reading frame.